The following is an entry in ClinVar:

NM_020366.4(RPGRIP1):c.61C>T (p.Pro21Ser)

Gene: RPGRIP1 (RPGR interacting protein 1; plus strand). Cytogenetic location: 14q11.2.
Variant type: single nucleotide variant.
Coding change: c.61C>T on transcript NM_020366.4 (MANE Select); coding-DNA position 61, C replaced by T.
Protein change: p.Pro21Ser; replaces proline 21 with serine.
Molecular consequence: missense variant.
Genome position (GRCh38, 1-based): chr14:21,288,037, C>T. VCF-style: chr14-21288037-C-T. GRCh37 (hg19) VCF-style: chr14-21756196-C-T.
Other names: short protein forms P21S.
Identifiers: ClinVar variation 1025344 (VCV001025344.8), dbSNP rs1032222606, ClinGen allele CA257489618.

ClinVar aggregate classification (germline): Uncertain significance (1 of 4 stars; one submission).

Conditions:
Cone-rod dystrophy 13 (CORD13). Identifiers: Orphanet 1872, MedGen C2750720, MONDO:0011987, OMIM 608194.
Leber congenital amaurosis 6 (LCA6). Identifiers: Orphanet 65, MedGen C1854260, MONDO:0013446, OMIM 613826.

Allele frequency attached by ClinVar (database versions not stated): gnomAD exomes below 0.00001 and 0.00001; gnomAD 0.00001; TOPMed 0.00002.

Submission:

Labcorp Genetics (formerly Invitae), Labcorp
Classification: Uncertain significance for Leber congenital amaurosis 6; Cone-rod dystrophy 13. Last evaluated: 2022-03-10. Review status: criteria provided, single submitter. Criteria: Invitae Variant Classification Sherloc (09022015). Collection method: clinical testing. Allele origin: germline.
Comment: In summary, the available evidence is currently insufficient to determine the role of this variant in disease. Therefore, it has been classified as a Variant of Uncertain Significance. Algorithms developed to predict the effect of missense changes on protein structure and function output the following: SIFT: "Tolerated"; PolyPhen-2: "Benign"; Align-GVGD: "Class C0". The serine amino acid residue is found in multiple mammalian species, which suggests that this missense change does not adversely affect protein function. ClinVar contains an entry for this variant (Variation ID: 1025344). This variant has not been reported in the literature in individuals affected with RPGRIP1-related conditions. This variant is present in population databases (no rsID available, gnomAD 0.02%). This sequence change replaces proline, which is neutral and non-polar, with serine, which is neutral and polar, at codon 21 of the RPGRIP1 protein (p.Pro21Ser).